The following is an entry in ClinVar:

NM_005996.4(TBX3):c.1140G>A (p.Ser380=)

Gene: TBX3 (T-box transcription factor 3; minus strand). Cytogenetic location: 12q24.21.
Variant type: single nucleotide variant.
Coding change: c.1140G>A on transcript NM_005996.4 (MANE Select); coding-DNA position 1140, G replaced by A.
Protein change: p.Ser380=; no amino-acid change (serine 380 retained).
Molecular consequence: synonymous variant.
Genome position (GRCh38, 1-based): chr12:114,674,735, C>T on the plus strand (G>A on the coding strand, the complement: TBX3 is on the minus strand). VCF-style: chr12-114674735-C-T. GRCh37 (hg19) VCF-style: chr12-115112540-C-T.
Other names: c.1200G>A, p.Ser400= (NM_016569.4).
Identifiers: ClinVar variation 4983181 (VCV004983181.1).

ClinVar aggregate classification (germline): Likely benign (1 of 4 stars; one submission).

Conditions:
TBX3-related disorder. Also called: TBX3-related condition.

Submission:

PreventionGenetics, part of Exact Sciences
Classification: Likely benign for TBX3-related condition. Last evaluated: 2026-06-16. Review status: criteria provided, single submitter. Criteria: ACMG Guidelines, 2015. Collection method: clinical testing. Allele origin: germline.
Comment: This variant is classified as likely benign based on ACMG/AMP sequence variant interpretation guidelines (Richards et al. 2015 PMID: 25741868, with internal and published modifications).